The following is an entry in ClinVar:

NM_006231.4(POLE):c.5553-13A>G

Gene: POLE (DNA polymerase epsilon, catalytic subunit; minus strand). Cytogenetic location: 12q24.33.
Variant type: single nucleotide variant.
Coding change: c.5553-13A>G on transcript NM_006231.4 (MANE Select); 13 bases into the intron before coding-DNA position 5553, A replaced by G.
Molecular consequence: intron variant.
Genome position (GRCh38, 1-based): chr12:132,638,152, T>C on the plus strand (A>G on the coding strand, the complement: POLE is on the minus strand). VCF-style: chr12-132638152-T-C. GRCh37 (hg19) VCF-style: chr12-133214738-T-C.
Identifiers: ClinVar variation 1505523 (VCV001505523.9), dbSNP rs777285978, ClinGen allele CA6892473.

ClinVar aggregate classification (germline): Uncertain significance. Review status: criteria provided, multiple submitters, no conflicts (2 of 4 stars). 2 submissions from 2 submitters: Uncertain significance (2). Last evaluated 2025-11-13.

Allele frequency attached by ClinVar (database versions not stated): gnomAD exomes below 0.00001; TOPMed below 0.00001.
gnomAD v4.1: 5 of 1,612,790 alleles (0.00031%); highest among the groups gnomAD compares: Non-Finnish European, 0.00034%; no homozygotes.

Submissions (2):

Labcorp Genetics (formerly Invitae), Labcorp
Classification: Uncertain significance. Last evaluated: 2025-11-13. Review status: criteria provided, single submitter. Criteria: Invitae Variant Classification Sherloc (09022015). Collection method: clinical testing. Allele origin: germline.
Comment: This sequence change falls in intron 40 of the POLE gene. It does not directly change the encoded amino acid sequence of the POLE protein. This variant is present in population databases (rs777285978, gnomAD 0.002%). This variant has not been reported in the literature in individuals affected with POLE-related conditions. ClinVar contains an entry for this variant (Variation ID: 1505523). Studies have shown that this variant is associated with inconclusive levels of altered splicing (internal data). In summary, the available evidence is currently insufficient to determine the role of this variant in disease. Therefore, it has been classified as a Variant of Uncertain Significance.

GeneDx
Classification: Uncertain significance. Last evaluated: 2024-04-05. Review status: criteria provided, single submitter. Criteria: GeneDx Variant Classification Process June 2021. Collection method: clinical testing. Allele origin: germline. Affected: yes.
Comment: Not observed at significant frequency in large population cohorts (gnomAD); In silico analysis supports a deleterious effect on splicing; Has not been previously published as pathogenic or benign to our knowledge